The following is an entry in ClinVar:

ClinVar aggregate classification (germline): Likely benign. Review status: criteria provided, multiple submitters, no conflicts (2 of 4 stars). 3 submissions from 3 submitters: Likely benign (3). Last evaluated 2026-09-01.

Conditions:
IGHMBP2-related disorder. Also called: IGHMBP2-related condition; IGHMBP2-related disorders.
Autosomal recessive distal spinal muscular atrophy 1. Also called: NEURONOPATHY, SEVERE INFANTILE AXONAL, WITH RESPIRATORY FAILURE; SEVERE INFANTILE AXONAL NEUROPATHY WITH RESPIRATORY FAILURE; SPINAL MUSCULAR ATROPHY, DIAPHRAGMATIC; Spinal muscular atrophy with respiratory distress 1; NEURONOPATHY, DISTAL HEREDITARY MOTOR, HARDING TYPE VI; NEUROPATHY, DISTAL HEREDITARY MOTOR, AUTOSOMAL RECESSIVE 1. Identifiers: Orphanet 98920, MedGen C1858517, MONDO:0011436, OMIM 604320.
Charcot-Marie-Tooth disease axonal type 2S. Also called: CHARCOT-MARIE-TOOTH NEUROPATHY, TYPE 2S; CHARCOT-MARIE-TOOTH DISEASE, AXONAL, AUTOSOMAL RECESSIVE, TYPE 2S. Identifiers: Orphanet 443073, MedGen C4015349, MONDO:0014511, OMIM 616155.

Allele frequency attached by ClinVar (database versions not stated): ExAC 0.00003; TOPMed 0.00003; gnomAD 0.00004 and 0.00005; gnomAD exomes 0.00004 and 0.00005; ESP Exome Variant Server 0.00015; 1000 Genomes Project 30x 0.00016; 1000 Genomes Project 0.00020.
gnomAD v4.1: 86 of 1,613,334 alleles (0.0053%); highest among the groups gnomAD compares: Non-Finnish European, 0.007%; no homozygotes.

Submissions (3):

CeGaT Center for Human Genetics Tuebingen
Classification: Likely benign. Last evaluated: 2026-09-01. Review status: criteria provided, single submitter. Criteria: CeGaT Center For Human Genetics Tuebingen Variant Classification Criteria Version 2. Collection method: clinical testing. Allele origin: germline. Affected: yes. Observed: 3 variant alleles.
Comment: IGHMBP2: BP4, BP7

Labcorp Genetics (formerly Invitae), Labcorp
Classification: Likely benign for Autosomal recessive distal spinal muscular atrophy 1; Charcot-Marie-Tooth disease axonal type 2S. Last evaluated: 2025-09-27. Review status: criteria provided, single submitter. Criteria: Invitae Variant Classification Sherloc (09022015). Collection method: clinical testing. Allele origin: germline.

PreventionGenetics, part of Exact Sciences
Classification: Likely benign for IGHMBP2-related condition. Last evaluated: 2025-08-06. Review status: criteria provided, single submitter. Criteria: ACMG Guidelines, 2015. Collection method: clinical testing. Allele origin: germline.
Comment: This variant is classified as likely benign based on ACMG/AMP sequence variant interpretation guidelines (Richards et al. 2015 PMID: 25741868, with internal and published modifications).

NM_002180.3(IGHMBP2):c.951T>C (p.Ser317=)

Gene: IGHMBP2 (immunoglobulin mu DNA binding protein 2; plus strand). Cytogenetic location: 11q13.3.
Variant type: single nucleotide variant.
Coding change: c.951T>C on transcript NM_002180.3 (MANE Select); coding-DNA position 951, T replaced by C.
Protein change: p.Ser317=; no amino-acid change (serine 317 retained).
Molecular consequence: synonymous variant.
Genome position (GRCh38, 1-based): chr11:68,917,774, T>C. VCF-style: chr11-68917774-T-C. GRCh37 (hg19) VCF-style: chr11-68685242-T-C.
Other names: c.951T>C (NM_002180.2).
Identifiers: ClinVar variation 1096285 (VCV001096285.24), dbSNP rs144565481, ClinGen allele CA6153460.